The following is an entry in ClinVar:

NM_020919.4(ALS2):c.2712+5G>A

Gene: ALS2 (alsin Rho guanine nucleotide exchange factor ALS2; minus strand). Cytogenetic location: 2q33.1.
Variant type: single nucleotide variant.
Coding change: c.2712+5G>A on transcript NM_020919.4 (MANE Select); 5 bases into the intron after coding-DNA position 2712, G replaced by A.
Molecular consequence: intron variant.
Genome position (GRCh38, 1-based): chr2:201,729,047, C>T on the plus strand (G>A on the coding strand, the complement: ALS2 is on the minus strand). VCF-style: chr2-201729047-C-T. GRCh37 (hg19) VCF-style: chr2-202593770-C-T.
Identifiers: ClinVar variation 2164729 (VCV002164729.4), dbSNP rs765437427, ClinGen allele CA2058109.

ClinVar aggregate classification (germline): Uncertain significance (1 of 4 stars; one submission).

Conditions:
Infantile-onset ascending hereditary spastic paralysis (IAHSP). Also called: Infantile-Onset Ascending Hereditary Spastic Paralysis (IAHSP); Autosomal Recessive Juvenile Amyotrophic Lateral Sclerosis. Identifiers: Orphanet 293168, MedGen C2931441, MONDO:0011797, OMIM 607225. Disease mechanism: loss of function.

Allele frequency attached by ClinVar (database versions not stated): gnomAD exomes below 0.00001; ExAC 0.00001.
gnomAD v4.1: 1 of 1,614,078 alleles (0.000062%); highest among the groups gnomAD compares: South Asian, 0.0011%; no homozygotes.

Submission:

Labcorp Genetics (formerly Invitae), Labcorp
Classification: Uncertain significance for Infantile-onset ascending hereditary spastic paralysis. Last evaluated: 2022-02-21. Review status: criteria provided, single submitter. Criteria: Invitae Variant Classification Sherloc (09022015). Collection method: clinical testing. Allele origin: germline.
Comment: In summary, the available evidence is currently insufficient to determine the role of this variant in disease. Therefore, it has been classified as a Variant of Uncertain Significance. Variants that disrupt the consensus splice site are a relatively common cause of aberrant splicing (PMID: 17576681, 9536098). Algorithms developed to predict the effect of sequence changes on RNA splicing suggest that this variant is not likely to affect RNA splicing. This variant has not been reported in the literature in individuals affected with ALS2-related conditions. This variant is present in population databases (rs765437427, gnomAD 0.003%). This sequence change falls in intron 14 of the ALS2 gene. It does not directly change the encoded amino acid sequence of the ALS2 protein. It affects a nucleotide within the consensus splice site.

Literature cited by the submitters: PubMed 17576681; PubMed 9536098.